The following is an entry in ClinVar:

NM_000388.4(CASR):c.1687T>C (p.Phe563Leu)

Gene: CASR (calcium sensing receptor; plus strand). Cytogenetic location: 3q21.1.
Variant type: single nucleotide variant.
Coding change: c.1687T>C on transcript NM_000388.4 (MANE Select); coding-DNA position 1687, T replaced by C.
Protein change: p.Phe563Leu; replaces phenylalanine 563 with leucine.
Molecular consequence: missense variant.
Genome position (GRCh38, 1-based): chr3:122,282,191, T>C. VCF-style: chr3-122282191-T-C. GRCh37 (hg19) VCF-style: chr3-122001038-T-C.
Other names: c.1717T>C, p.Phe573Leu (NM_001178065.2); short protein forms F573L, F563L.
Identifiers: ClinVar variation 1036765 (VCV001036765.12), dbSNP rs2074898883, ClinGen allele CA354156274.

ClinVar aggregate classification (germline): Uncertain significance. Review status: criteria provided, multiple submitters, no conflicts (2 of 4 stars). 3 submissions from 3 submitters: Uncertain significance (3). Last evaluated 2025-04-03.

Conditions:
Autosomal dominant hypocalcemia 1 (HYPOC1). Also called: HYPOCALCEMIA, FAMILIAL. Identifiers: MedGen C3715128, MONDO:0011013, OMIM 601198.
Familial hypocalciuric hypercalcemia (FHH). Also called: Familial benign hypercalcemia. Identifiers: Orphanet 405, MedGen C1809471, MONDO:0018458.
Nephrolithiasis/nephrocalcinosis. Identifiers: MedGen CN580796.

Submissions (3):

Labcorp Genetics (formerly Invitae), Labcorp
Classification: Uncertain significance for Familial hypocalciuric hypercalcemia; Autosomal dominant hypocalcemia 1. Last evaluated: 2025-04-03. Review status: criteria provided, single submitter. Criteria: Invitae Variant Classification Sherloc (09022015). Collection method: clinical testing. Allele origin: germline.
Comment: This sequence change replaces phenylalanine, which is neutral and non-polar, with leucine, which is neutral and non-polar, at codon 563 of the CASR protein (p.Phe563Leu). This variant is not present in population databases (gnomAD no frequency). This variant has not been reported in the literature in individuals affected with CASR-related conditions. ClinVar contains an entry for this variant (Variation ID: 1036765). An algorithm developed to predict the effect of missense changes on protein structure and function (PolyPhen-2) suggests that this variant is likely to be tolerated. In summary, the available evidence is currently insufficient to determine the role of this variant in disease. Therefore, it has been classified as a Variant of Uncertain Significance.

Athena Diagnostics
Classification: Uncertain significance. Last evaluated: 2022-08-22. Review status: criteria provided, single submitter. Criteria: Athena Diagnostics Criteria. Collection method: clinical testing. Allele origin: unknown.

Ambry Genetics
Classification: Uncertain significance for Nephrolithiasis/nephrocalcinosis. Last evaluated: 2022-01-15. Review status: criteria provided, single submitter. Criteria: Ambry Variant Classification Scheme 2023. Collection method: clinical testing. Allele origin: germline.
Comment: The p.F563L variant (also known as c.1687T>C), located in coding exon 5 of the CASR gene, results from a T to C substitution at nucleotide position 1687. The phenylalanine at codon 563 is replaced by leucine, an amino acid with highly similar properties. This amino acid position is conserved. In addition, this alteration is predicted to be deleterious by in silico analysis. Since supporting evidence is limited at this time, the clinical significance of this alteration remains unclear.